The following is an entry in ClinVar:

ClinVar aggregate classification (germline): Benign/Likely benign. Review status: criteria provided, multiple submitters, no conflicts (2 of 4 stars). 9 submissions from 9 submitters: Benign (1); Likely benign (7). 1 of the submissions does not count toward it. Last evaluated 2025-10-01.

Conditions:
Hirschsprung disease, susceptibility to, 1 (HSCR1). Also called: RET-Related Hirschsprung Disease. Identifiers: Orphanet 388, MedGen C3888239, MONDO:0007723, OMIM 142623.
Multiple endocrine neoplasia type 2B. Also called: WAGENMANN-FROBOESE SYNDROME; MULTIPLE ENDOCRINE NEOPLASIA, TYPE III; MULTIPLE ENDOCRINE NEOPLASIA, TYPE IIB; MEN IIB; NEUROMATA, MUCOSAL, WITH ENDOCRINE TUMORS; MEN 2B. Identifiers: Orphanet 247709, Orphanet 653, MedGen C0025269, MeSH D018814, MONDO:0008082, OMIM 162300.
Pheochromocytoma. Also called: MAX-Related Hereditary Paraganglioma-Pheochromocytoma Syndrome. Identifiers: Orphanet 29072, MedGen C0031511, MONDO:0008233, OMIM 171300, HP:0002666.
Familial medullary thyroid carcinoma (MTC). Also called: Thyroid cancer, familial medullary; MTC, familial; Familial Medullary Thyroid Carcinoma (FMTC). Identifiers: Orphanet 653, Orphanet 99361, MedGen C1833921, MONDO:0007958, OMIM 155240.
Multiple endocrine neoplasia type 2A. Also called: Multiple Endocrine Neoplasia Type 2A (MEN2A); MULTIPLE ENDOCRINE NEOPLASIA, TYPE IIA; PTC SYNDROME; SIPPLE SYNDROME; MEN 2A; MEN-2A syndrome. Identifiers: Orphanet 247698, Orphanet 653, MedGen C0025268, MeSH D018813, MONDO:0008234, OMIM 171400.
Hereditary cancer-predisposing syndrome. Also called: Tumor predisposition; Hereditary Cancer Syndrome; Hereditary neoplastic syndrome; Neoplastic Syndromes, Hereditary. Identifiers: Orphanet 140162, MedGen C0027672, MeSH D009386, MONDO:0015356.
RET-related disorder. Also called: RET-related condition; RET-related disease; RET-related disorders.
Multiple endocrine neoplasia, type 2 (MEN2). Identifiers: Orphanet 653, MedGen C4048306, MONDO:0019003. Disease mechanism: gain of function.

Allele frequency attached by ClinVar (database versions not stated): ExAC 0.00002; gnomAD 0.00002 and 0.00003; gnomAD exomes 0.00002 and 0.00005; TOPMed 0.00003.
gnomAD v4.1: 69 of 1,613,892 alleles (0.0043%); highest among the groups gnomAD compares: Non-Finnish European, 0.0058%; no homozygotes.

Submissions (9):

Labcorp Genetics (formerly Invitae), Labcorp
Classification: Likely benign for Multiple endocrine neoplasia, type 2. Last evaluated: 2025-10-01. Review status: criteria provided, single submitter. Criteria: Invitae Variant Classification Sherloc (09022015). Collection method: clinical testing. Allele origin: germline.

Center for Genomic Medicine, Rigshospitalet, Copenhagen University Hospital
Classification: Likely benign. Last evaluated: 2025-03-04. Review status: criteria provided, single submitter. Criteria: ACMG Guidelines, 2015. Collection method: clinical testing. Allele origin: germline.

Myriad Genetics, Inc.
Classification: Benign for Multiple endocrine neoplasia type 2A. Last evaluated: 2025-02-26. Review status: criteria provided, single submitter. Criteria: Myriad Autosomal Dominant, Autosomal Recessive and X-Linked Classification Criteria (2023). Collection method: clinical testing. Allele origin: unknown.
Comment: This variant is considered benign. This variant is a silent/synonymous amino acid change and it is not expected to impact splicing.

All of Us Research Program, National Institutes of Health
Classification: Likely benign for Multiple endocrine neoplasia, type 2. Last evaluated: 2023-12-18. Review status: criteria provided, single submitter. Criteria: ACMG Guidelines, 2015. Collection method: clinical testing. Allele origin: germline. Inheritance: Autosomal dominant inheritance. Observed: 10 variant alleles, 10 heterozygotes.
Comment: This study involves interpretation of variants in research participants for the purpose of population health screening. Participant phenotype was not available at the time of variant classification. Additional details can be found in publication PMID: 35346344, PMCID: PMC8962531

Color Diagnostics, LLC DBA Color Health
Classification: Likely benign for Multiple endocrine neoplasia, type 2. Last evaluated: 2022-09-16. Review status: criteria provided, single submitter. Criteria: ACMG Guidelines, 2015. Collection method: clinical testing. Allele origin: germline.

Fulgent Genetics
Classification: Likely benign for Hirschsprung disease, susceptibility to, 1; Familial medullary thyroid carcinoma; Multiple endocrine neoplasia type 2B; Pheochromocytoma; Multiple endocrine neoplasia type 2A. Last evaluated: 2021-11-17. Review status: criteria provided, single submitter. Criteria: ACMG Guidelines, 2015. Collection method: clinical testing. Allele origin: unknown.

Ambry Genetics
Classification: Likely benign for Hereditary cancer-predisposing syndrome. Last evaluated: 2020-02-10. Review status: criteria provided, single submitter. Criteria: Ambry Variant Classification Scheme 2023. Collection method: clinical testing. Allele origin: germline.

GeneDx
Classification: Likely benign. Last evaluated: 2016-06-03. Review status: criteria provided, single submitter. Criteria: GeneDx Variant Classification (06012015). Collection method: clinical testing. Allele origin: germline. Affected: yes.
Comment: This variant is considered likely benign or benign based on one or more of the following criteria: it is a conservative change, it occurs at a poorly conserved position in the protein, it is predicted to be benign by multiple in silico algorithms, and/or has population frequency not consistent with disease.

PreventionGenetics, part of Exact Sciences
Classification: Likely benign for RET-related condition. Last evaluated: 2024-07-17. Review status: no assertion criteria provided. Collection method: clinical testing. Allele origin: germline. Not counted in ClinVar's aggregate classification.
Comment: This variant is classified as likely benign based on ACMG/AMP sequence variant interpretation guidelines (Richards et al. 2015 PMID: 25741868, with internal and published modifications).

NM_020975.6(RET):c.2358T>C (p.His786=)

Gene: RET (ret proto-oncogene; plus strand). Cytogenetic location: 10q11.21.
Variant type: single nucleotide variant.
Coding change: c.2358T>C on transcript NM_020975.6 (MANE Select); coding-DNA position 2358, T replaced by C.
Protein change: p.His786=; no amino-acid change (histidine 786 retained).
Molecular consequence: synonymous variant.
Genome position (GRCh38, 1-based): chr10:43,118,446, T>C. VCF-style: chr10-43118446-T-C. GRCh37 (hg19) VCF-style: chr10-43613894-T-C.
Other names: c.2358T>C, p.His786= (NM_000323.2, NM_001406743.1, NM_001406744.1 and 4 more transcripts); c.1596T>C, p.His532= (NM_001355216.2); c.2229T>C, p.His743= (NM_001406761.1, NM_001406762.1, NM_001406764.1); c.2223T>C, p.His741= (NM_001406763.1, NM_001406765.1); c.2070T>C, p.His690= (NM_001406766.1, NM_001406767.1, NM_001406770.1); c.2094T>C, p.His698= (NM_001406768.1); c.1962T>C, p.His654= (NM_001406769.1, NM_001406772.1); c.1920T>C, p.His640= (NM_001406771.1, NM_001406773.1); and 10 more.
Identifiers: ClinVar variation 386728 (VCV000386728.28), dbSNP rs758715544, ClinGen allele CA038659.